The following is an entry in ClinVar:

ClinVar aggregate classification (germline): Conflicting classifications of pathogenicity. Review status: criteria provided, conflicting classifications (1 of 4 stars). 5 submissions from 3 submitters: Uncertain significance (2); Benign (2); Likely benign (1). Last evaluated 2024-11-10.

Conditions:
TP63-Related Spectrum Disorders.
ADULT syndrome. Also called: ACRO-DERMATO-UNGUAL-LACRIMAL-TOOTH SYNDROME; Acro-Dermo-Ungual-Lacrimal-Tooth Syndrome (ADULT Syndrome); Acro-dermato-ungual-lacrimal-tooth (adult) syndrome. Identifiers: Orphanet 978, MedGen C1863204, MONDO:0007072, OMIM 103285.
Ankyloblepharon-ectodermal defects-cleft lip/palate syndrome. Also called: AEC SYNDROME; HAY-WELLS SYNDROME; Hay-Wells syndrome of ectodermal dysplasia; Ankyloblepharon-Ectodermal Defects-Cleft Lip/Palate Syndrome (AEC Syndrome); Ankyloblepharon-ectodermal defects, cleft lip/palate. Identifiers: Orphanet 1071, MedGen C0406709, MONDO:0007124, OMIM 106260.
Orofacial cleft 8. Also called: Cleft lip with or without cleft palate, nonsyndromic, 8. Identifiers: MedGen C1851878, MONDO:0029145, OMIM 618149.
Premature ovarian failure 21 (POF21). Identifiers: MedGen C5830399, MONDO:0957216, OMIM 620311.
Rapp-Hodgkin syndrome (RHS). Also called: ECTODERMAL DYSPLASIA, ANHIDROTIC, WITH CLEFT LIP/PALATE; Rapp-Hodgkin ectodermal dysplasia syndrome; Isolated Cleft Lip/Cleft Palate (Orofacial Cleft 8). Identifiers: MedGen C1785148, MONDO:0007508, OMIM 129400.
Limb-mammary syndrome (LMS). Also called: Mammary hypoplasia, ectrodactyly, and other hand/foot anomalies. Identifiers: Orphanet 69085, MedGen C1863753, MONDO:0011334, OMIM 603543.
Split hand-foot malformation 4. Also called: Split-Hand/Foot Malformation Type 4 (SHFM4 syndrome); Split-Hand/Foot Malformation Type 4 (SHFM4). Identifiers: Orphanet 2440, MedGen C1854442, MONDO:0011535, OMIM 605289.
Ectrodactyly, ectodermal dysplasia, and cleft lip-palate syndrome 3. Also called: EEC SYNDROME 3; Ectrodactyly, Ectodermal Dysplasia, Clefting Syndrome; Ectrodactyly, Ectodermal Dysplasia, Clefting Syndrome Type 3 (EEC3); Ectrodactyly, Ectodermal Dysplasia, Cleft Lip/Palate Syndrome 3 (EEC3). Identifiers: Orphanet 1896, MedGen C1858562, MONDO:0011428, OMIM 604292.

Allele frequency attached by ClinVar (database versions not stated): ExAC 0.00002; gnomAD exomes 0.00004 and 0.00001; 1000 Genomes Project 0.00020; 1000 Genomes Project 30x 0.00016; gnomAD 0.00001; TOPMed 0.00001.
gnomAD v4.1: 60 of 1,614,036 alleles (0.0037%); highest among the groups gnomAD compares: East Asian, 0.13%; no homozygotes.

Submissions (5):

Labcorp Genetics (formerly Invitae), Labcorp
Classification: Likely benign. Last evaluated: 2024-11-10. Review status: criteria provided, single submitter. Criteria: Invitae Variant Classification Sherloc (09022015). Collection method: clinical testing. Allele origin: germline.

Fulgent Genetics
Classification: Uncertain significance for ADULT syndrome; Ankyloblepharon-ectodermal defects-cleft lip/palate syndrome; Rapp-Hodgkin syndrome; Limb-mammary syndrome; Ectrodactyly, ectodermal dysplasia, and cleft lip-palate syndrome 3; Split hand-foot malformation 4; Orofacial cleft 8; Premature ovarian failure 21. Last evaluated: 2024-02-14. Review status: criteria provided, single submitter. Criteria: ACMG Guidelines, 2015. Collection method: clinical testing. Allele origin: germline.

Illumina Laboratory Services, Illumina
Classification: Benign for Ectrodactyly, ectodermal dysplasia, and cleft lip-palate syndrome 3. Last evaluated: 2018-01-12. Review status: criteria provided, single submitter. Criteria: ICSL Variant Classification Criteria 13 December 2019. Collection method: clinical testing. Allele origin: germline.
Comment: This variant was observed in the ICSL laboratory as part of a predisposition screen in an ostensibly healthy population. It had not been previously curated by ICSL or reported in the Human Gene Mutation Database (HGMD: prior to June 1st, 2018), and was therefore a candidate for classification through an automated scoring system. Utilizing variant allele frequency, disease prevalence and penetrance estimates, and inheritance mode, an automated score was calculated to assess if this variant is too frequent to cause the disease. Based on the score and internal cut-off values, a variant classified as benign is not then subjected to further curation. The score for this variant resulted in a classification of benign for this disease.

Illumina Laboratory Services, Illumina
Classification: Uncertain significance for Orofacial cleft 8. Last evaluated: 2018-01-12. Review status: criteria provided, single submitter. Criteria: ICSL Variant Classification Criteria 13 December 2019. Collection method: clinical testing. Allele origin: germline.

Illumina Laboratory Services, Illumina
Classification: Benign for TP63-Related Spectrum Disorders. Last evaluated: 2018-01-12. Review status: criteria provided, single submitter. Criteria: ICSL Variant Classification Criteria 13 December 2019. Collection method: clinical testing. Allele origin: germline.
Comment: the same text as in the submission from Illumina Laboratory Services, Illumina above.

NM_003722.5(TP63):c.210G>C (p.Gln70His)

Gene: TP63 (tumor protein p63; plus strand). Cytogenetic location: 3q28.
Variant type: single nucleotide variant.
Coding change: c.210G>C on transcript NM_003722.5 (MANE Select); coding-DNA position 210, G replaced by C.
Protein change: p.Gln70His; replaces glutamine 70 with histidine.
Molecular consequence: missense variant.
Genome position (GRCh38, 1-based): chr3:189,738,660, G>C. VCF-style: chr3-189738660-G-C. GRCh37 (hg19) VCF-style: chr3-189456449-G-C.
Other names: c.210G>C, p.Gln70His (NM_001114978.2, NM_001114979.2, NM_001329144.2 and 1 more transcripts); c.204G>C, p.Gln68His (NM_001329964.2); short protein forms Q68H, Q70H.
Identifiers: ClinVar variation 899830 (VCV000899830.7), dbSNP rs201631366, ClinGen allele CA2752059.